The following is an entry in ClinVar:

NM_017514.5(PLXNA3):c.2425A>C (p.Ile809Leu)

Gene: PLXNA3 (plexin A3; plus strand). Cytogenetic location: Xq28.
Variant type: single nucleotide variant.
Coding change: c.2425A>C on transcript NM_017514.5 (MANE Select); coding-DNA position 2425, A replaced by C.
Protein change: p.Ile809Leu; replaces isoleucine 809 with leucine.
Molecular consequence: missense variant.
Genome position (GRCh38, 1-based): chrX:154,465,740, A>C. VCF-style: chrX-154465740-A-C. GRCh37 (hg19) VCF-style: chrX-153694083-A-C.
Other names: short protein forms I809L.
Identifiers: ClinVar variation 4987324 (VCV004987324.1).
Genomic context (GRCh38, chrX:154,465,740, plus strand): 5'-CAGCGGCCCAGCTGTGGCCTCTGCCTCAAGGCTGATCCCCGCTTCAACTGTGGCTGGTGC[A>C]TCTCAGAGCACAGGTGCCAGCTGCGGACCCACTGCCCGGCCCCGAAGACCAACTGGATGC-3'
Protein context (NP_059984.3, residues 799-819): ADPRFNCGWC[Ile809Leu]SEHRCQLRTH

ClinVar aggregate classification (germline): Uncertain significance (1 of 4 stars; one submission).

Conditions:
PLXNA3-related disorder. Also called: PLXNA3-related condition.

gnomAD v4.1: 31 of 1,208,549 alleles (0.0026%); highest among the groups gnomAD compares: Non-Finnish European, 0.0034%; no homozygotes.

Submission:

PreventionGenetics, part of Exact Sciences
Classification: Uncertain significance for PLXNA3-related condition. Last evaluated: 2025-03-25. Review status: criteria provided, single submitter. Criteria: ACMG Guidelines, 2015. Collection method: clinical testing. Allele origin: germline.
Comment: The PLXNA3 c.2425A>C variant is predicted to result in the amino acid substitution p.Ile809Leu. To our knowledge, this variant has not been reported in the literature. This variant is reported in 0.0044% of alleles in individuals of European (Non-Finnish) descent in gnomAD. At this time, the clinical significance of this variant is uncertain due to the absence of conclusive functional and genetic evidence.